The following is an entry in ClinVar:

ClinVar aggregate classification (germline): Benign (1 of 4 stars; one submission).

Conditions:
Vitreoretinopathy. Also called: Vitreoretinal degeneration. Identifiers: MedGen C0344290, MONDO:0020248, HP:0007773.

Allele frequency attached by ClinVar (database versions not stated): 1000 Genomes Project 30x 0.00078; gnomAD 0.00097 and 0.00106; 1000 Genomes Project 0.00100; TOPMed 0.00108.

Submission:

Illumina Laboratory Services, Illumina
Classification: Benign for Vitreoretinopathy. Last evaluated: 2018-01-13. Review status: criteria provided, single submitter. Criteria: ICSL Variant Classification Criteria 13 December 2019. Collection method: clinical testing. Allele origin: germline.
Comment: This variant was observed in the ICSL laboratory as part of a predisposition screen in an ostensibly healthy population. It had not been previously curated by ICSL or reported in the Human Gene Mutation Database (HGMD: prior to June 1st, 2018), and was therefore a candidate for classification through an automated scoring system. Utilizing variant allele frequency, disease prevalence and penetrance estimates, and inheritance mode, an automated score was calculated to assess if this variant is too frequent to cause the disease. Based on the score and internal cut-off values, a variant classified as benign is not then subjected to further curation. The score for this variant resulted in a classification of benign for this disease.

NM_004385.5(VCAN):c.*961T>C

Gene: VCAN (versican; plus strand). Cytogenetic location: 5q14.3.
Variant type: single nucleotide variant.
Coding change: c.*961T>C on transcript NM_004385.5 (MANE Select); 961 bases downstream of the stop codon, T replaced by C.
Molecular consequence: 3 prime UTR variant.
Genome position (GRCh38, 1-based): chr5:83,581,395, T>C. VCF-style: chr5-83581395-T-C. GRCh37 (hg19) VCF-style: chr5-82877214-T-C.
Other names: c.*961T>C (NM_001126336.3, NM_001164097.2, NM_001164098.2).
Identifiers: ClinVar variation 354487 (VCV000354487.6), dbSNP rs531984651, ClinGen allele CA10625165.
Genomic context (GRCh38, chr5:83,581,395, plus strand): 5'-AAAAAAAAGAAATTTTGTATATATAACCATTTTAATCTTTTATAAAGTTTTGAATGTTCA[T>C]GTATGAATGCTGCAGCTGTGAAGCATACATAAATAAATGAAGTAAGCCATACTGATTTAA-3'